The following is an entry in ClinVar:

NM_001098426.2(SMARCD2):c.133C>T (p.Pro45Ser)

Genes: SMARCD2 (SWI/SNF related BAF chromatin remodeling complex subunit D2; minus strand), LOC130061409 (ATAC-STARR-seq lymphoblastoid silent region 8832; plus strand). Cytogenetic location: 17q23.3.
Variant type: single nucleotide variant.
Coding change: c.133C>T on transcript NM_001098426.2 (MANE Select); coding-DNA position 133, C replaced by T.
Protein change: p.Pro45Ser; replaces proline 45 with serine.
Molecular consequence: missense variant.
Genome position (GRCh38, 1-based): chr17:63,842,542, G>A on the plus strand (C>T on the coding strand, the complement: SMARCD2 is on the minus strand). VCF-style: chr17-63842542-G-A. GRCh37 (hg19) VCF-style: chr17-61919902-G-A.
Other names: short protein forms P45S.
Identifiers: ClinVar variation 2752625 (VCV002752625.3), dbSNP rs1339828769, ClinGen allele CA400602159.

ClinVar aggregate classification (germline): Uncertain significance (1 of 4 stars; one submission).

Allele frequency attached by ClinVar (database versions not stated): gnomAD exomes below 0.00001; gnomAD 0.00001.
gnomAD v4.1: 4 of 1,209,040 alleles (0.00033%); highest among the groups gnomAD compares: Non-Finnish European, 0.00021%; no homozygotes.

Submission:

Labcorp Genetics (formerly Invitae), Labcorp
Classification: Uncertain significance. Last evaluated: 2024-11-05. Review status: criteria provided, single submitter. Criteria: Invitae Variant Classification Sherloc (09022015). Collection method: clinical testing. Allele origin: germline.
Comment: This sequence change replaces proline, which is neutral and non-polar, with serine, which is neutral and polar, at codon 45 of the SMARCD2 protein (p.Pro45Ser). This variant is present in population databases (no rsID available, gnomAD 0.03%). This variant has not been reported in the literature in individuals affected with SMARCD2-related conditions. ClinVar contains an entry for this variant (Variation ID: 2752625). An algorithm developed to predict the effect of missense changes on protein structure and function (PolyPhen-2) suggests that this variant is likely to be disruptive. In summary, the available evidence is currently insufficient to determine the role of this variant in disease. Therefore, it has been classified as a Variant of Uncertain Significance.